The following is an entry in ClinVar:

ClinVar aggregate classification (germline): Benign. Review status: criteria provided, multiple submitters, no conflicts (2 of 4 stars). 2 submissions from 2 submitters: Benign (2). Last evaluated 2026-01-28.

Conditions:
Autosomal recessive congenital ichthyosis 10 (ARCI10). Identifiers: Orphanet 79394, MedGen C3554355, MONDO:0014011, OMIM 615024.

Allele frequency attached by ClinVar (database versions not stated): gnomAD exomes 0.00065 and 0.00176; ExAC 0.00202; gnomAD 0.00656 and 0.00706; ESP Exome Variant Server 0.00700; 1000 Genomes Project 0.00719; TOPMed 0.00785.
gnomAD v4.1: 2,000 of 1,614,116 alleles (0.12%); highest among the groups gnomAD compares: African/African-American, 2.2%; 24 homozygotes.

Submissions (2):

Labcorp Genetics (formerly Invitae), Labcorp
Classification: Benign. Last evaluated: 2026-01-28. Review status: criteria provided, single submitter. Criteria: Invitae Variant Classification Sherloc (09022015). Collection method: clinical testing. Allele origin: germline.

Illumina Laboratory Services, Illumina
Classification: Benign for Autosomal recessive congenital ichthyosis 10. Last evaluated: 2018-01-13. Review status: criteria provided, single submitter. Criteria: ICSL Variant Classification Criteria 13 December 2019. Collection method: clinical testing. Allele origin: germline.
Comment: This variant was observed in the ICSL laboratory as part of a predisposition screen in an ostensibly healthy population. It had not been previously curated by ICSL or reported in the Human Gene Mutation Database (HGMD: prior to June 1st, 2018), and was therefore a candidate for classification through an automated scoring system. Utilizing variant allele frequency, disease prevalence and penetrance estimates, and inheritance mode, an automated score was calculated to assess if this variant is too frequent to cause the disease. Based on the score and internal cut-off values, a variant classified as benign is not then subjected to further curation. The score for this variant resulted in a classification of benign for this disease.

NM_001374623.1(PNPLA1):c.985T>C (p.Ser329Pro)

Gene: PNPLA1 (patatin like domain 1, omega-hydroxyceramide transacylase; plus strand). Cytogenetic location: 6p21.31.
Variant type: single nucleotide variant.
Coding change: c.985T>C on transcript NM_001374623.1 (MANE Select); coding-DNA position 985, T replaced by C.
Protein change: p.Ser329Pro; replaces serine 329 with proline.
Molecular consequence: missense variant.
Genome position (GRCh38, 1-based): chr6:36,302,070, T>C. VCF-style: chr6-36302070-T-C. GRCh37 (hg19) VCF-style: chr6-36269847-T-C.
Other names: c.985T>C, p.Ser329Pro (NM_001145717.1); c.727T>C, p.Ser243Pro (NM_001145716.2); c.700T>C, p.Ser234Pro (NM_173676.2); short protein forms S329P, S234P, S243P.
Identifiers: ClinVar variation 356572 (VCV000356572.13), dbSNP rs78257597, ClinGen allele CA3777916.